The following is an entry in ClinVar:

ClinVar aggregate classification (germline): Likely benign. Review status: criteria provided, multiple submitters, no conflicts (2 of 4 stars). 3 submissions from 3 submitters: Likely benign (3). Last evaluated 2023-02-01.

Allele frequency attached by ClinVar (database versions not stated): gnomAD exomes below 0.00001.
gnomAD v4.1: 4 of 1,614,172 alleles (0.00025%); highest among the groups gnomAD compares: Middle Eastern, 0.016%; no homozygotes.

Submissions (3):

CeGaT Center for Human Genetics Tuebingen
Classification: Likely benign. Last evaluated: 2023-02-01. Review status: criteria provided, single submitter. Criteria: CeGaT Center For Human Genetics Tuebingen Variant Classification Criteria Version 2. Collection method: clinical testing. Allele origin: germline. Affected: yes. Observed: 1 variant allele.
Comment: AP4B1: PM2:Supporting, BP4, BP7

Blueprint Genetics
Classification: Likely benign. Last evaluated: 2019-04-09. Review status: criteria provided, single submitter. Criteria: ACMG Guidelines, 2015. Collection method: clinical testing. Allele origin: germline.

GeneDx
Classification: Likely benign. Last evaluated: 2018-01-22. Review status: criteria provided, single submitter. Criteria: GeneDx Variant Classification (06012015). Collection method: clinical testing. Allele origin: germline. Affected: yes.
Comment: This variant is considered likely benign or benign based on one or more of the following criteria: it is a conservative change, it occurs at a poorly conserved position in the protein, it is predicted to be benign by multiple in silico algorithms, and/or has population frequency not consistent with disease.

NM_001253852.3(AP4B1):c.1512G>A (p.Glu504=)

Genes: AP4B1 (adaptor related protein complex 4 subunit beta 1; minus strand), AP4B1-AS1 (AP4B1 antisense RNA 1; plus strand). Cytogenetic location: 1p13.2.
Variant type: single nucleotide variant.
Coding change: c.1512G>A on transcript NM_001253852.3 (MANE Select); coding-DNA position 1512, G replaced by A.
Protein change: p.Glu504=; no amino-acid change (glutamic acid 504 retained).
Molecular consequence: synonymous variant.
Genome position (GRCh38, 1-based): chr1:113,896,037, C>T on the plus strand (G>A on the coding strand, the complement: AP4B1 is on the minus strand). VCF-style: chr1-113896037-C-T. GRCh37 (hg19) VCF-style: chr1-114438659-C-T.
Other names: c.1215G>A, p.Glu405= (NM_001253853.3); c.1008G>A, p.Glu336= (NM_001308312.2); c.1512G>A, p.Glu504= (NM_006594.5).
Identifiers: ClinVar variation 515053 (VCV000515053.26), dbSNP rs1553257180, ClinGen allele CA419703284.